The following is an entry in ClinVar:

ClinVar aggregate classification (germline): Likely benign (1 of 4 stars; one submission).

Allele frequency attached by ClinVar (database versions not stated): gnomAD 0.01384 and 0.01480; 1000 Genomes Project 0.01458; TOPMed 0.01546; 1000 Genomes Project 30x 0.01562.
gnomAD v4.1: 2,080 of 152,314 alleles (1.4%); highest among the groups gnomAD compares: African/African-American, 4.8%; 37 homozygotes.

Submission:

GeneDx
Classification: Likely benign. Last evaluated: 2018-06-19. Review status: criteria provided, single submitter. Criteria: GeneDx Variant Classification (06012015). Collection method: clinical testing. Allele origin: germline. Affected: yes.
Comment: This variant is considered likely benign or benign based on one or more of the following criteria: it is a conservative change, it occurs at a poorly conserved position in the protein, it is predicted to be benign by multiple in silico algorithms, and/or has population frequency not consistent with disease.

NM_001267550.2(TTN):c.3381-275T>A

Gene: TTN (titin; minus strand). Cytogenetic location: 2q31.2.
Variant type: single nucleotide variant.
Coding change: c.3381-275T>A on transcript NM_001267550.2 (MANE Select); 275 bases into the intron before coding-DNA position 3381, T replaced by A.
Molecular consequence: intron variant.
Genome position (GRCh38, 1-based): chr2:178,781,538, A>T on the plus strand (T>A on the coding strand, the complement: TTN is on the minus strand). VCF-style: chr2-178781538-A-T. GRCh37 (hg19) VCF-style: chr2-179646265-A-T.
Other names: c.3381-275T>A (NM_001256850.1, NM_133378.4, NM_133379.5); c.3243-275T>A (NM_003319.4, NM_133437.4, NM_133432.3).
Identifiers: ClinVar variation 671883 (VCV000671883.1), dbSNP rs7594547, ClinGen allele CA60980518.